The following is an entry in ClinVar:

NM_001927.4(DES):c.933C>T (p.Asn311=)

Gene: DES (desmin; plus strand). Cytogenetic location: 2q35.
Variant type: single nucleotide variant.
Coding change: c.933C>T on transcript NM_001927.4 (MANE Select); coding-DNA position 933, C replaced by T.
Protein change: p.Asn311=; no amino-acid change (asparagine 311 retained).
Molecular consequence: synonymous variant.
Genome position (GRCh38, 1-based): chr2:219,420,863, C>T. VCF-style: chr2-219420863-C-T. GRCh37 (hg19) VCF-style: chr2-220285585-C-T.
Other names: c.933C>T (LRG_380t1).
Identifiers: ClinVar variation 512219 (VCV000512219.17), dbSNP rs756434148, ClinGen allele CA2125190.
Genomic context (GRCh38, chr2:219,420,863, plus strand): 5'-TTTGGGCCCCTTTCTCTGCCCTTAGGTGTCAGACCTGACCCAGGCAGCCAACAAGAACAA[C>T]GACGCCCTGCGCCAGGCCAAGCAGGAGATGATGGAATACCGACACCAGATCCAGTCCTAC-3'
Protein context (NP_001918.3, residues 301-321): SDLTQAANKN[Asn311=]DALRQAKQEM

ClinVar aggregate classification (germline): Likely benign. Review status: criteria provided, multiple submitters, no conflicts (2 of 4 stars). 5 submissions from 5 submitters: Likely benign (5). Last evaluated 2026-01-27.

Conditions:
Cardiovascular phenotype. Identifiers: MedGen CN230736.
Desmin-related myofibrillar myopathy (MFM1). Also called: MYOFIBRILLAR MYOPATHY WITH ARRHYTHMOGENIC RIGHT VENTRICULAR CARDIOMYOPATHY; DESMIN-RELATED MYOPATHY WITH ARRHYTHMOGENIC RIGHT VENTRICULAR CARDIOMYOPATHY; Myofibrillar myopathy 1; Desminopathy; Desmin related myopathy (former name); Desmin storage myopathy (former name). Identifiers: Orphanet 363543, Orphanet 98909, MedGen C1832370, MONDO:0011076, OMIM 601419.

Allele frequency attached by ClinVar (database versions not stated): gnomAD exomes 0.00001 and 0.00003; ExAC 0.00002; gnomAD 0.00002 and 0.00003; TOPMed 0.00002.
gnomAD v4.1: 41 of 1,613,642 alleles (0.0025%); highest among the groups gnomAD compares: South Asian, 0.0055%; no homozygotes.

Submissions (5):

Labcorp Genetics (formerly Invitae), Labcorp
Classification: Likely benign for Desmin-related myofibrillar myopathy. Last evaluated: 2026-01-27. Review status: criteria provided, single submitter. Criteria: Invitae Variant Classification Sherloc (09022015). Collection method: clinical testing. Allele origin: germline.

Molecular Diagnostic Laboratory for Inherited Cardiovascular Disease, Montreal Heart Institute
Classification: Likely benign. Last evaluated: 2025-04-09. Review status: criteria provided, single submitter. Criteria: ACMG Guidelines, 2015. Collection method: clinical testing. Allele origin: germline. Affected: no.
Comment: BP6;BP7

ARUP Laboratories, Molecular Genetics and Genomics, ARUP Laboratories
Classification: Likely benign. Last evaluated: 2023-12-21. Review status: criteria provided, single submitter. Criteria: ARUP Molecular Germline Variant Investigation Process 2024. Collection method: clinical testing. Allele origin: germline.

GeneDx
Classification: Likely benign. Last evaluated: 2018-05-23. Review status: criteria provided, single submitter. Criteria: GeneDx Variant Classification Process June 2021. Collection method: clinical testing. Allele origin: germline. Affected: yes.

Ambry Genetics
Classification: Likely benign for Cardiovascular phenotype. Last evaluated: 2017-06-16. Review status: criteria provided, single submitter. Criteria: Ambry Variant Classification Scheme 2023. Collection method: clinical testing. Allele origin: germline.